The following is an entry in ClinVar:

NM_007317.3(KIF22):c.616C>G (p.Leu206Val)

Gene: KIF22 (kinesin family member 22; plus strand). Cytogenetic location: 16p11.2.
Variant type: single nucleotide variant.
Coding change: c.616C>G on transcript NM_007317.3 (MANE Select); coding-DNA position 616, C replaced by G.
Protein change: p.Leu206Val; replaces leucine 206 with valine.
Molecular consequence: missense variant.
Genome position (GRCh38, 1-based): chr16:29,799,041, C>G. VCF-style: chr16-29799041-C-G. GRCh37 (hg19) VCF-style: chr16-29810362-C-G.
Other names: c.412C>G, p.Leu138Val (NM_001256269.2, NM_001256270.1); c.616C>G (NM_007317.2); short protein forms L138V, L206V.
Identifiers: ClinVar variation 3671930 (VCV003671930.3).

ClinVar aggregate classification (germline): Uncertain significance. Review status: criteria provided, multiple submitters, no conflicts (2 of 4 stars). 2 submissions from 2 submitters: Uncertain significance (2). Last evaluated 2025-08-25.

Conditions:
KIF22-related disorder. Also called: KIF22-related condition.

gnomAD v4.1: 1 of 1,614,176 alleles (0.000062%); highest among the groups gnomAD compares: Non-Finnish European, 0.000085%; no homozygotes.

Submissions (2):

PreventionGenetics, part of Exact Sciences
Classification: Uncertain significance for KIF22-related condition. Last evaluated: 2025-08-25. Review status: criteria provided, single submitter. Criteria: ACMG Guidelines, 2015. Collection method: clinical testing. Allele origin: germline.
Comment: The KIF22 c.616C>G variant is predicted to result in the amino acid substitution p.Leu206Val. To our knowledge, this variant has not been reported in the literature or in a large population database (gnomAD), indicating this variant is rare. At this time, the clinical significance of this variant is uncertain due to the absence of conclusive functional and genetic evidence.

Labcorp Genetics (formerly Invitae), Labcorp
Classification: Uncertain significance. Last evaluated: 2024-05-28. Review status: criteria provided, single submitter. Criteria: Invitae Variant Classification Sherloc (09022015). Collection method: clinical testing. Allele origin: germline.
Comment: This sequence change replaces leucine, which is neutral and non-polar, with valine, which is neutral and non-polar, at codon 206 of the KIF22 protein (p.Leu206Val). This variant is not present in population databases (gnomAD no frequency). This variant has not been reported in the literature in individuals affected with KIF22-related conditions. Advanced modeling of protein sequence and biophysical properties (such as structural, functional, and spatial information, amino acid conservation, physicochemical variation, residue mobility, and thermodynamic stability) performed at Invitae indicates that this missense variant is not expected to disrupt KIF22 protein function with a negative predictive value of 80%. In summary, the available evidence is currently insufficient to determine the role of this variant in disease. Therefore, it has been classified as a Variant of Uncertain Significance.